The following is an entry in ClinVar:

ClinVar aggregate classification (germline): Pathogenic (1 of 4 stars; one submission).

Conditions:
Gorlin syndrome. Also called: Basal cell nevus syndrome; Nevoid Basal Cell Carcinoma Syndrome. Identifiers: Orphanet 377, MedGen C0004779, MONDO:0007187.

Submission:

Labcorp Genetics (formerly Invitae), Labcorp
Classification: Pathogenic for Gorlin syndrome. Last evaluated: 2023-05-02. Review status: criteria provided, single submitter. Criteria: Invitae Variant Classification Sherloc (09022015). Collection method: clinical testing. Allele origin: germline.
Comment: For these reasons, this variant has been classified as Pathogenic. This variant has not been reported in the literature in individuals affected with PTCH1-related conditions. This variant is not present in population databases (gnomAD no frequency). This sequence change creates a premature translational stop signal (p.Tyr801*) in the PTCH1 gene. It is expected to result in an absent or disrupted protein product. Loss-of-function variants in PTCH1 are known to be pathogenic (PMID: 16301862, 16419085).

Literature cited by the submitters: PubMed 16301862; PubMed 16419085.

NM_000264.5(PTCH1):c.2403C>A (p.Tyr801Ter)

Genes: PTCH1 (patched 1; minus strand), LOC100507346 (uncharacterized LOC100507346; plus strand). Cytogenetic location: 9q22.32.
Variant type: single nucleotide variant.
Coding change: c.2403C>A on transcript NM_000264.5 (MANE Select); coding-DNA position 2403, C replaced by A.
Protein change: p.Tyr801Ter; replaces tyrosine 801 with a stop codon.
Molecular consequence: nonsense.
Genome position (GRCh38, 1-based): chr9:95,467,273, G>T on the plus strand (C>A on the coding strand, the complement: PTCH1 is on the minus strand). VCF-style: chr9-95467273-G-T. GRCh37 (hg19) VCF-style: chr9-98229555-G-T.
Other names: c.2205C>A, p.Tyr735Ter (NM_001083602.3); c.2400C>A, p.Tyr800Ter (NM_001083603.3); c.1950C>A, p.Tyr650Ter (NM_001083604.3, NM_001083605.3, NM_001083606.3 and 1 more transcripts); c.2247C>A, p.Tyr749Ter (NM_001354918.2); short protein forms Y800*, Y801*, Y650*, Y735*, Y749*.
Identifiers: ClinVar variation 2861538 (VCV002861538.3), dbSNP rs2117963353, ClinGen allele CA374114331.